The following is an entry in ClinVar:

NM_007373.4(SHOC2):c.1688G>C (p.Gly563Ala)

Gene: SHOC2 (SHOC2 leucine rich repeat scaffold protein; plus strand). Cytogenetic location: 10q25.2.
Variant type: single nucleotide variant.
Coding change: c.1688G>C on transcript NM_007373.4 (MANE Select); coding-DNA position 1688, G replaced by C.
Protein change: p.Gly563Ala; replaces glycine 563 with alanine.
Molecular consequence: missense variant. On other transcripts: non-coding transcript variant (1).
Genome position (GRCh38, 1-based): chr10:111,011,757, G>C. VCF-style: chr10-111011757-G-C. GRCh37 (hg19) VCF-style: chr10-112771515-G-C.
Other names: c.1550G>C, p.Gly517Ala (NM_001269039.3); c.1688G>C, p.Gly563Ala (NM_001324336.2, NM_001324337.2); short protein forms G517A, G563A.
Identifiers: ClinVar variation 3643137 (VCV003643137.2).

ClinVar aggregate classification (germline): Uncertain significance (1 of 4 stars; one submission).

Conditions:
RASopathy. Also called: Noonan spectrum disorder; rasopathies. Identifiers: Orphanet 536391, MedGen C5555857, MONDO:0021060.

Submission:

Labcorp Genetics (formerly Invitae), Labcorp
Classification: Uncertain significance for RASopathy. Last evaluated: 2024-03-05. Review status: criteria provided, single submitter. Criteria: Invitae Variant Classification Sherloc (09022015). Collection method: clinical testing. Allele origin: germline.
Comment: This sequence change replaces glycine, which is neutral and non-polar, with alanine, which is neutral and non-polar, at codon 563 of the SHOC2 protein (p.Gly563Ala). This variant is not present in population databases (gnomAD no frequency). This variant has not been reported in the literature in individuals affected with SHOC2-related conditions. Advanced modeling of protein sequence and biophysical properties (such as structural, functional, and spatial information, amino acid conservation, physicochemical variation, residue mobility, and thermodynamic stability) performed at Invitae indicates that this missense variant is not expected to disrupt SHOC2 protein function with a negative predictive value of 80%. In summary, the available evidence is currently insufficient to determine the role of this variant in disease. Therefore, it has been classified as a Variant of Uncertain Significance.